The following is an entry in ClinVar:

NM_002087.4(GRN):c.934-11_936del

Gene: GRN (granulin precursor; plus strand). Cytogenetic location: 17q21.31.
Variant type: Deletion.
Coding change: c.934-11_936del on transcript NM_002087.4 (MANE Select); 11 bases into the intron before coding-DNA position 934 through coding-DNA position 936, 14 bases deleted (ATCTGCCCTAGGCT).
Molecular consequence: splice acceptor variant.
Genome position (GRCh38, 1-based): chr17:44,351,539-44,351,552, ATCTGCCCTAGGCT deleted. VCF-style (leftmost placement, unchanged base first): chr17-44351538-CATCTGCCCTAGGCT-C. GRCh37 (hg19) VCF-style: chr17-42428906-CATCTGCCCTAGGCT-C.
Identifiers: ClinVar variation 2007449 (VCV002007449.4), dbSNP rs2510057150, ClinGen allele CA2580094078.

ClinVar aggregate classification (germline): Likely pathogenic (1 of 4 stars; one submission).

Conditions:
GRN-related frontotemporal lobar degeneration with Tdp43 inclusions (FTD2). Also called: DEMENTIA, HEREDITARY DYSPHASIC DISINHIBITION; FRONTOTEMPORAL LOBAR DEGENERATION WITH UBIQUITIN-POSITIVE INCLUSIONS; FTLD-TDP, GRN-RELATED; GRN Frontotemporal Dementia; FRONTOTEMPORAL DEMENTIA WITH TDP43 INCLUSIONS, GRN-RELATED. Identifiers: Orphanet 100070, Orphanet 282, MedGen C1843792, MONDO:0011842, OMIM 607485. Disease mechanism: loss of function.
Neuronal ceroid lipofuscinosis 11. Also called: GRN-Related Neuronal Ceroid-Lipofuscinosis. Identifiers: Orphanet 314629, Orphanet 79262, MedGen C3539123, MONDO:0013866, OMIM 614706.

Submission:

Labcorp Genetics (formerly Invitae), Labcorp
Classification: Likely pathogenic for Neuronal ceroid lipofuscinosis 11; GRN-related frontotemporal lobar degeneration with Tdp43 inclusions. Last evaluated: 2022-06-16. Review status: criteria provided, single submitter. Criteria: Invitae Variant Classification Sherloc (09022015). Collection method: clinical testing. Allele origin: germline.
Comment: In summary, the currently available evidence indicates that the variant is pathogenic, but additional data are needed to prove that conclusively. Therefore, this variant has been classified as Likely Pathogenic. Algorithms developed to predict the effect of sequence changes on RNA splicing suggest that this variant may disrupt the consensus splice site. This variant has not been reported in the literature in individuals affected with GRN-related conditions. This variant is not present in population databases (gnomAD no frequency). This variant results in the deletion of part of exon 10 (c.934-11_936del) of the GRN gene. It is expected to disrupt RNA splicing. Variants that disrupt the donor or acceptor splice site typically lead to a loss of protein function (PMID: 16199547), and loss-of-function variants in GRN are known to be pathogenic (PMID: 16862116, 16950801, 22608501).

Literature cited by the submitters: PubMed 16199547; PubMed 16862116; PubMed 16950801; PubMed 22608501.